The following is an entry in ClinVar:

ClinVar aggregate classification (germline): Uncertain significance. Review status: criteria provided, multiple submitters, no conflicts (2 of 4 stars). 4 submissions from 4 submitters: Uncertain significance (4). Last evaluated 2025-11-24.

Conditions:
Colorectal cancer. Also called: Malignant Colorectal Neoplasm; Colorectal cancer, somatic. Identifiers: MedGen C0346629, MONDO:0005575, OMIM 114500.
Colorectal cancer, hereditary nonpolyposis, type 7. Identifiers: Orphanet 144, MedGen C1858380, MONDO:0013725, OMIM 614385.
Endometrial carcinoma. Also called: Endometrial carcinoma, somatic. Identifiers: MedGen C0476089, MONDO:0002447, OMIM 608089, HP:0012114.
MLH3-related disorder. Also called: MLH3-related condition.

Allele frequency attached by ClinVar (database versions not stated): gnomAD exomes 0.00001; ExAC 0.00002; gnomAD 0.00002 and 0.00003; TOPMed 0.00003.
gnomAD v4.1: 14 of 1,613,962 alleles (0.00087%); highest among the groups gnomAD compares: Middle Eastern, 0.016%; no homozygotes.

Submissions (4):

Ambry Genetics
Classification: Uncertain significance. Last evaluated: 2025-11-24. Review status: criteria provided, single submitter. Criteria: Ambry Variant Classification Scheme 2023. Collection method: clinical testing. Allele origin: germline.
Comment: The p.A1226T variant (also known as c.3676G>A), located in coding exon 6 of the MLH3 gene, results from a G to A substitution at nucleotide position 3676. The alanine at codon 1226 is replaced by threonine, an amino acid with similar properties. This amino acid position is conserved. In addition, this alteration is predicted to be deleterious by in silico analysis. Since supporting evidence is limited at this time, the clinical significance of this alteration remains unclear.

Labcorp Genetics (formerly Invitae), Labcorp
Classification: Uncertain significance for Colorectal cancer, hereditary nonpolyposis, type 7. Last evaluated: 2023-11-06. Review status: criteria provided, single submitter. Criteria: Invitae Variant Classification Sherloc (09022015). Collection method: clinical testing. Allele origin: germline.
Comment: This sequence change replaces alanine, which is neutral and non-polar, with threonine, which is neutral and polar, at codon 1226 of the MLH3 protein (p.Ala1226Thr). This variant is present in population databases (rs747817741, gnomAD 0.007%). This variant has not been reported in the literature in individuals affected with MLH3-related conditions. ClinVar contains an entry for this variant (Variation ID: 1372959). An algorithm developed to predict the effect of missense changes on protein structure and function (PolyPhen-2) suggests that this variant is likely to be disruptive. In summary, the available evidence is currently insufficient to determine the role of this variant in disease. Therefore, it has been classified as a Variant of Uncertain Significance.

PreventionGenetics, part of Exact Sciences
Classification: Uncertain significance for MLH3-related condition. Last evaluated: 2023-07-05. Review status: criteria provided, single submitter. Criteria: ACMG Guidelines, 2015. Collection method: clinical testing. Allele origin: germline.
Comment: The MLH3 c.3676G>A variant is predicted to result in the amino acid substitution p.Ala1226Thr. To our knowledge, this variant has not been reported in the literature. This variant is reported in 0.0062% of alleles in individuals of African descent in gnomAD. At this time, the clinical significance of this variant is uncertain due to the absence of conclusive functional and genetic evidence.

Fulgent Genetics
Classification: Uncertain significance for Colorectal cancer; Endometrial carcinoma; Colorectal cancer, hereditary nonpolyposis, type 7. Last evaluated: 2022-05-04. Review status: criteria provided, single submitter. Criteria: ACMG Guidelines, 2015. Collection method: clinical testing. Allele origin: unknown.

NM_001040108.2(MLH3):c.3676G>A (p.Ala1226Thr)

Gene: MLH3 (mutL homolog 3; minus strand). Cytogenetic location: 14q24.3.
Variant type: single nucleotide variant.
Coding change: c.3676G>A on transcript NM_001040108.2 (MANE Select); coding-DNA position 3676, G replaced by A.
Protein change: p.Ala1226Thr; replaces alanine 1226 with threonine.
Molecular consequence: missense variant. On other transcripts: intron variant (1).
Genome position (GRCh38, 1-based): chr14:75,033,458, C>T on the plus strand (G>A on the coding strand, the complement: MLH3 is on the minus strand). VCF-style: chr14-75033458-C-T. GRCh37 (hg19) VCF-style: chr14-75500161-C-T.
Other names: c.3644-1279G>A (NM_014381.3); short protein forms A1226T.
Identifiers: ClinVar variation 1372959 (VCV001372959.13), dbSNP rs747817741, ClinGen allele CA7275363.